The following is an entry in ClinVar:

ClinVar aggregate classification (germline): Uncertain significance (1 of 4 stars; one submission).

Conditions:
Emery-Dreifuss muscular dystrophy (EDMD). Also called: Scapuloperoneal syndrome, X-linked (formerly); Humeroperoneal neuromuscular disease, (formerly). Identifiers: Orphanet 261, MedGen C0410189, MONDO:0016830.

Allele frequency attached by ClinVar (database versions not stated): gnomAD exomes 0.00002 and 0.00003; ExAC 0.00003; gnomAD 0.00003; TOPMed 0.00003; ESP Exome Variant Server 0.00016.
gnomAD v4.1: 27 of 1,613,890 alleles (0.0017%); highest among the groups gnomAD compares: African/African-American, 0.008%; no homozygotes.

Submission:

Labcorp Genetics (formerly Invitae), Labcorp
Classification: Uncertain significance for Emery-Dreifuss muscular dystrophy. Last evaluated: 2022-02-10. Review status: criteria provided, single submitter. Criteria: Invitae Variant Classification Sherloc (09022015). Collection method: clinical testing. Allele origin: germline.
Comment: ClinVar contains an entry for this variant (Variation ID: 951314). In summary, the available evidence is currently insufficient to determine the role of this variant in disease. Therefore, it has been classified as a Variant of Uncertain Significance. Algorithms developed to predict the effect of missense changes on protein structure and function (SIFT, PolyPhen-2, Align-GVGD) all suggest that this variant is likely to be tolerated. This variant has not been reported in the literature in individuals affected with SUN1-related conditions. This variant is present in population databases (rs376317036, gnomAD 0.01%). This sequence change replaces glutamic acid, which is acidic and polar, with lysine, which is basic and polar, at codon 635 of the SUN1 protein (p.Glu635Lys).

NM_001130965.3(SUN1):c.1903G>A (p.Glu635Lys)

Gene: SUN1 (Sad1 and UNC84 domain containing 1; plus strand). Cytogenetic location: 7p22.3.
Variant type: single nucleotide variant.
Coding change: c.1903G>A on transcript NM_001130965.3 (MANE Select); coding-DNA position 1903, G replaced by A.
Protein change: p.Glu635Lys; replaces glutamic acid 635 with lysine.
Molecular consequence: missense variant. On other transcripts: non-coding transcript variant (3).
Genome position (GRCh38, 1-based): chr7:865,990, G>A. VCF-style: chr7-865990-G-A. GRCh37 (hg19) VCF-style: chr7-905627-G-A.
Other names: c.1594G>A, p.Glu532Lys (NM_001171944.2); c.1903G>A, p.Glu635Lys (NM_001367633.1, NM_001367634.1, NM_001367653.1); c.1552G>A, p.Glu518Lys (NM_001367635.1); c.2143G>A, p.Glu715Lys (NM_001367636.1, NM_001367691.1); c.2011G>A, p.Glu671Lys (NM_001367638.1); c.1444G>A, p.Glu482Lys (NM_001367639.1); c.2083G>A, p.Glu695Lys (NM_001367640.1); c.2185G>A, p.Glu729Lys (NM_001367641.1, NM_001367682.1); and 43 more; short protein forms E446K, E482K, E589K, E613K, E621K, E624K, E661K, E672K.
Identifiers: ClinVar variation 951314 (VCV000951314.9), dbSNP rs376317036, ClinGen allele CA4112422.